The following is an entry in ClinVar:

ClinVar aggregate classification (germline): Uncertain significance (1 of 4 stars; one submission).

Conditions:
Cardiovascular phenotype. Identifiers: MedGen CN230736.

gnomAD v4.1: 7 of 1,614,040 alleles (0.00043%); highest among the groups gnomAD compares: Non-Finnish European, 0.00059%; no homozygotes.

Submission:

Ambry Genetics
Classification: Uncertain significance for Cardiovascular phenotype. Last evaluated: 2026-06-01. Review status: criteria provided, single submitter. Criteria: Ambry Variant Classification Scheme 2023. Collection method: clinical testing. Allele origin: germline.
Comment: The p.A192S variant (also known as c.574G>T), located in coding exon 3 of the SNTA1 gene, results from a G to T substitution at nucleotide position 574. The alanine at codon 192 is replaced by serine, an amino acid with similar properties. This amino acid position is conserved. In addition, this alteration is predicted to be tolerated by in silico analysis. Based on the available evidence, the clinical significance of this variant remains unclear.

NM_003098.3(SNTA1):c.574G>T (p.Ala192Ser)

Gene: SNTA1 (syntrophin alpha 1; minus strand). Cytogenetic location: 20q11.21.
Variant type: single nucleotide variant.
Coding change: c.574G>T on transcript NM_003098.3 (MANE Select); coding-DNA position 574, G replaced by T.
Protein change: p.Ala192Ser; replaces alanine 192 with serine.
Molecular consequence: missense variant.
Genome position (GRCh38, 1-based): chr20:33,417,846, C>A on the plus strand (G>T on the coding strand, the complement: SNTA1 is on the minus strand). VCF-style: chr20-33417846-C-A. GRCh37 (hg19) VCF-style: chr20-32005652-C-A.
Other names: c.574G>T, p.Ala192Ser (NM_001424413.1, NM_001424414.1); short protein forms A192S.
Identifiers: ClinVar variation 4864921 (VCV004864921.1).